The following is an entry in ClinVar:

ClinVar aggregate classification (germline): Uncertain significance (1 of 4 stars; one submission).

Conditions:
Hereditary nonpolyposis colorectal neoplasms. Identifiers: MedGen C0009405, MeSH D003123.

Submission:

Labcorp Genetics (formerly Invitae), Labcorp
Classification: Uncertain significance for Hereditary nonpolyposis colorectal neoplasms. Last evaluated: 2019-06-29. Review status: criteria provided, single submitter. Criteria: Invitae Variant Classification Sherloc (09022015). Collection method: clinical testing. Allele origin: germline.
Comment: This sequence change replaces lysine with glutamine at codon 270 of the MSH6 protein (p.Lys270Gln). The lysine residue is weakly conserved and there is a small physicochemical difference between lysine and glutamine. This variant is not present in population databases (ExAC no frequency). In summary, the available evidence is currently insufficient to determine the role of this variant in disease. Therefore, it has been classified as a Variant of Uncertain Significance. Algorithms developed to predict the effect of missense changes on protein structure and function are either unavailable or do not agree on the potential impact of this missense change (SIFT: "Tolerated"; PolyPhen-2: "Possibly Damaging"; Align-GVGD: "Class C0"). This variant has not been reported in the literature in individuals with MSH6-related conditions.

NM_000179.3(MSH6):c.808A>C (p.Lys270Gln)

Gene: MSH6 (mutS homolog 6; plus strand). Cytogenetic location: 2p16.3.
Variant type: single nucleotide variant.
Coding change: c.808A>C on transcript NM_000179.3 (MANE Select); coding-DNA position 808, A replaced by C.
Protein change: p.Lys270Gln; replaces lysine 270 with glutamine.
Molecular consequence: missense variant. On other transcripts: 5 prime UTR variant (2).
Genome position (GRCh38, 1-based): chr2:47,798,791, A>C. VCF-style: chr2-47798791-A-C. GRCh37 (hg19) VCF-style: chr2-48025930-A-C.
Other names: c.418A>C, p.Lys140Gln (NM_001281492.2); c.-99A>C (NM_001281493.2, NM_001281494.2); short protein forms K270Q, K140Q.
Identifiers: ClinVar variation 943466 (VCV000943466.10), dbSNP rs1669257647, ClinGen allele CA346740367.